The following is an entry in ClinVar:

NM_015192.4(PLCB1):c.3337-4A>G

Gene: PLCB1 (phospholipase C beta 1; plus strand). Cytogenetic location: 20p12.3.
Variant type: single nucleotide variant.
Coding change: c.3337-4A>G on transcript NM_015192.4 (MANE Select); 4 bases into the intron before coding-DNA position 3337, A replaced by G.
Molecular consequence: intron variant.
Genome position (GRCh38, 1-based): chr20:8,790,171, A>G. VCF-style: chr20-8790171-A-G. GRCh37 (hg19) VCF-style: chr20-8770818-A-G.
Other names: c.3337-4A>G (NM_182734.3).
Identifiers: ClinVar variation 739068 (VCV000739068.6), dbSNP rs774437098, ClinGen allele CA311276760.

ClinVar aggregate classification (germline): Conflicting classifications of pathogenicity. Review status: criteria provided, conflicting classifications (1 of 4 stars). 2 submissions from 2 submitters: Uncertain significance (1); Likely benign (1). Last evaluated 2025-10-26.

Conditions:
Developmental and epileptic encephalopathy, 12 (DEE12). Identifiers: MedGen C3150988, MONDO:0013389, OMIM 613722.
Inborn genetic diseases. Identifiers: MedGen C0950123, MeSH D030342.

Allele frequency attached by ClinVar (database versions not stated): gnomAD 0.00001; TOPMed 0.00002.
gnomAD v4.1: 3 of 1,601,226 alleles (0.00019%); highest among the groups gnomAD compares: African/African-American, 0.0027%; no homozygotes.

Submissions (2):

Labcorp Genetics (formerly Invitae), Labcorp
Classification: Likely benign for Developmental and epileptic encephalopathy, 12. Last evaluated: 2025-10-26. Review status: criteria provided, single submitter. Criteria: Invitae Variant Classification Sherloc (09022015). Collection method: clinical testing. Allele origin: germline.

Ambry Genetics
Classification: Uncertain significance for Inborn genetic diseases. Last evaluated: 2017-09-29. Review status: criteria provided, single submitter. Criteria: Ambry Variant Classification Scheme 2023. Collection method: clinical testing. Allele origin: germline.
Comment: The c.3337-4A>G intronic variant results from an A to G substitution 4 nucleotides upstream from coding exon 31 in the PLCB1 gene. This nucleotide position is not well conserved in available vertebrate species. Using the BDGP and ESEfinder splice site prediction tools, this alteration is not predicted to have any significant effect on this splice acceptor/donor site; however, direct evidence is unavailable. Since supporting evidence is limited at this time, the clinical significance of this alteration remains unclear.